The following is an entry in ClinVar:

NM_003334.4(UBA1):c.3091G>A (p.Val1031Met)

Gene: UBA1 (ubiquitin like modifier activating enzyme 1; plus strand). Cytogenetic location: Xp11.3.
Variant type: single nucleotide variant.
Coding change: c.3091G>A on transcript NM_003334.4 (MANE Select); coding-DNA position 3091, G replaced by A.
Protein change: p.Val1031Met; replaces valine 1031 with methionine.
Molecular consequence: missense variant.
Genome position (GRCh38, 1-based): chrX:47,214,843, G>A. VCF-style: chrX-47214843-G-A. GRCh37 (hg19) VCF-style: chrX-47074242-G-A.
Other names: c.3091G>A, p.Val1031Met (NM_153280.3); c.3091G>A (NM_003334.3); short protein forms V1031M.
Identifiers: ClinVar variation 1955606 (VCV001955606.6), dbSNP rs898122193, ClinGen allele CA412812441.

ClinVar aggregate classification (germline): Uncertain significance. Review status: criteria provided, multiple submitters, no conflicts (2 of 4 stars). 2 submissions from 2 submitters: Uncertain significance (2). Last evaluated 2024-06-16.

Conditions:
Infantile-onset X-linked spinal muscular atrophy. Also called: AMC, DISTAL, X-LINKED; ARTHROGRYPOSIS, X-LINKED, TYPE I; Spinal muscular atrophy, X-linked 2; SPINAL MUSCULAR ATROPHY, X-LINKED LETHAL INFANTILE; Spinal Muscular Atrophy, X-Linked Infantile. Identifiers: Orphanet 1145, MedGen C1844934, MONDO:0010532, OMIM 301830.
Inborn genetic diseases. Identifiers: MedGen C0950123, MeSH D030342.

gnomAD v4.1: 2 of 1,211,904 alleles (0.00017%); highest among the groups gnomAD compares: South Asian, 0.0018%; no homozygotes.

Submissions (2):

Ambry Genetics
Classification: Uncertain significance for Inborn genetic diseases. Last evaluated: 2024-06-16. Review status: criteria provided, single submitter. Criteria: Ambry Variant Classification Scheme 2023. Collection method: clinical testing. Allele origin: germline.

Labcorp Genetics (formerly Invitae), Labcorp
Classification: Uncertain significance for Infantile-onset X-linked spinal muscular atrophy. Last evaluated: 2022-02-28. Review status: criteria provided, single submitter. Criteria: Invitae Variant Classification Sherloc (09022015). Collection method: clinical testing. Allele origin: germline.
Comment: This sequence change replaces valine, which is neutral and non-polar, with methionine, which is neutral and non-polar, at codon 1031 of the UBA1 protein (p.Val1031Met). This variant is not present in population databases (gnomAD no frequency). This variant has not been reported in the literature in individuals affected with UBA1-related conditions. Algorithms developed to predict the effect of missense changes on protein structure and function are either unavailable or do not agree on the potential impact of this missense change (SIFT: "Deleterious"; PolyPhen-2: "Possibly Damaging"; Align-GVGD: "Class C0"). In summary, the available evidence is currently insufficient to determine the role of this variant in disease. Therefore, it has been classified as a Variant of Uncertain Significance.